The following is an entry in ClinVar:

NM_001267550.2(TTN):c.107234C>A (p.Ser35745Tyr)

Genes: TTN-AS1 (TTN antisense RNA 1; plus strand), TTN (titin; minus strand). Cytogenetic location: 2q31.2.
Variant type: single nucleotide variant.
Coding change: c.107234C>A on transcript NM_001267550.2 (MANE Select); coding-DNA position 107234, C replaced by A.
Protein change: p.Ser35745Tyr; replaces serine 35745 with tyrosine.
Molecular consequence: missense variant.
Genome position (GRCh38, 1-based): chr2:178,528,417, G>T on the plus strand (C>A on the coding strand, the complement: TTN is on the minus strand). VCF-style: chr2-178528417-G-T. GRCh37 (hg19) VCF-style: chr2-179393144-G-T.
Other names: c.102311C>A, p.Ser34104Tyr (NM_001256850.1); c.80039C>A, p.Ser26680Tyr (NM_003319.4); c.99530C>A, p.Ser33177Tyr (NM_133378.4); c.80414C>A, p.Ser26805Tyr (NM_133432.3); c.80615C>A, p.Ser26872Tyr (NM_133437.4); short protein forms S33177Y, S26872Y, S34104Y, S26805Y, S26680Y, S35745Y.
Identifiers: ClinVar variation 1517844 (VCV001517844.6), dbSNP rs2154130964, ClinGen allele CA349401521.
Genomic context (GRCh38, chr2:178,528,417, plus strand): 5'-GATGCATTTCGGATTTCAAGGGAGTATACATTTCTGGAGCGGCTTATGCTGACATTTGAA[G>T]AAATAGAAATCTAAGACAAAGGAAAAAGAAAAGAAATGTTGAAGTTCTTCAGATGTGGAA-3'
Protein context (NP_001254479.2, residues 35735-35755): WFKNNLPISI[Ser35745Tyr]SNVSISRSRN

ClinVar aggregate classification (germline): Uncertain significance (1 of 4 stars; one submission).

Conditions:
Dilated cardiomyopathy 1G (CMD1G). Identifiers: Orphanet 154, MedGen C1858763, MONDO:0011400, OMIM 604145.
Autosomal recessive limb-girdle muscular dystrophy type 2J (LGMDR10). Also called: Limb-girdle muscular dystrophy, type 2J; MUSCULAR DYSTROPHY, LIMB-GIRDLE, AUTOSOMAL RECESSIVE 10. Identifiers: Orphanet 140922, MedGen C1837342, MONDO:0012127, OMIM 608807.

Submission:

Labcorp Genetics (formerly Invitae), Labcorp
Classification: Uncertain significance for Dilated cardiomyopathy 1G; Autosomal recessive limb-girdle muscular dystrophy type 2J. Last evaluated: 2023-03-19. Review status: criteria provided, single submitter. Criteria: Invitae Variant Classification Sherloc (09022015). Collection method: clinical testing. Allele origin: germline.
Comment: In summary, the available evidence is currently insufficient to determine the role of this variant in disease. Therefore, it has been classified as a Variant of Uncertain Significance. This variant is located in the M band of TTN (PMID: 25589632). Variants in this region may be relevant for neuromuscular disorders, but have not been definitively shown to cause cardiomyopathy (PMID: 23975875). Experimental studies and prediction algorithms are not available or were not evaluated, and the functional significance of this variant is currently unknown. ClinVar contains an entry for this variant (Variation ID: 1517844). This variant has not been reported in the literature in individuals affected with TTN-related conditions. This variant is not present in population databases (gnomAD no frequency). This sequence change replaces serine, which is neutral and polar, with tyrosine, which is neutral and polar, at codon 35745 of the TTN protein (p.Ser35745Tyr).

Literature cited by the submitters: PubMed 25589632; PubMed 23975875.